The following is an entry in ClinVar:

ClinVar aggregate classification (germline): Pathogenic (1 of 4 stars; one submission).

Conditions:
Donnai-Barrow syndrome. Also called: DBS/FOAR SYNDROME; FACIOOCULOACOUSTICORENAL SYNDROME. Identifiers: Orphanet 2143, MedGen C1857277, MONDO:0009104, OMIM 222448.

Submission:

Myriad Genetics, Inc.
Classification: Pathogenic for Donnai-Barrow syndrome. Last evaluated: 2024-06-02. Review status: criteria provided, single submitter. Criteria: Myriad Autosomal Dominant, Autosomal Recessive and X-Linked Classification Criteria (2023). Collection method: clinical testing. Allele origin: unknown.
Comment: NM_004525.2(LRP2):c.9722T>A(L3241*) is expected to be pathogenic in the context of Donnai-Barrow syndrome. This variant is predicted to lead to an abnormal or absent protein product due to the creation of a premature termination codon in LRP2, a gene where loss-of-function variants are known to be pathogenic. Please note: this variant was assessed in the context of healthy population screening.

NM_004525.3(LRP2):c.9722T>A (p.Leu3241Ter)

Gene: LRP2 (LDL receptor related protein 2; minus strand). Cytogenetic location: 2q31.1.
Variant type: single nucleotide variant.
Coding change: c.9722T>A on transcript NM_004525.3 (MANE Select); coding-DNA position 9722, T replaced by A.
Protein change: p.Leu3241Ter; replaces leucine 3241 with a stop codon.
Molecular consequence: nonsense.
Genome position (GRCh38, 1-based): chr2:169,185,626, A>T on the plus strand (T>A on the coding strand, the complement: LRP2 is on the minus strand). VCF-style: chr2-169185626-A-T. GRCh37 (hg19) VCF-style: chr2-170042136-A-T.
Other names: short protein forms L3241*.
Identifiers: ClinVar variation 5013134 (VCV005013134.1).
Genomic context (GRCh38, chr2:169,185,626, plus strand): 5'-TTGTTTGTCTTATTCAGAAACATTCTCTCAATGACTTGCCTCTGTGTATCAATCCAATAC[A>T]ATCTCTTCTCTACTCGGTCAAAATCTAATGCCACAACATTGTCCAGTCCTTCCAAGATGA-3'